The following is an entry in ClinVar:

NM_001148.6(ANK2):c.3370A>G (p.Met1124Val)

Gene: ANK2 (ankyrin 2; plus strand). Cytogenetic location: 4q26.
Variant type: single nucleotide variant.
Coding change: c.3370A>G on transcript NM_001148.6 (MANE Select); coding-DNA position 3370, A replaced by G.
Protein change: p.Met1124Val; replaces methionine 1124 with valine.
Molecular consequence: missense variant.
Genome position (GRCh38, 1-based): chr4:113,333,199, A>G. VCF-style: chr4-113333199-A-G. GRCh37 (hg19) VCF-style: chr4-114254355-A-G.
Other names: c.3343A>G, p.Met1115Val (NM_001127493.3); c.3382A>G, p.Met1128Val (NM_001354225.2); c.3271A>G, p.Met1091Val (NM_001354228.2, NM_001354258.2); c.3349A>G, p.Met1117Val (NM_001354230.2); c.3412A>G, p.Met1138Val (NM_001354231.2, NM_001354242.2); c.3406A>G, p.Met1136Val (NM_001354232.2); c.3367A>G, p.Met1123Val (NM_001354235.2, NM_001354246.2, NM_001354265.2); c.3268A>G, p.Met1090Val (NM_001354236.2); and 28 more; short protein forms M1024V, M1049V, M1062V, M1070V, M1077V, M1091V, M1102V, M1107V.
Identifiers: ClinVar variation 2585814 (VCV002585814.2), dbSNP rs772670683, ClinGen allele CA3050825.

ClinVar aggregate classification (germline): Uncertain significance (1 of 4 stars; one submission).

Conditions:
Cardiovascular phenotype. Identifiers: MedGen CN230736.

Allele frequency attached by ClinVar (database versions not stated): gnomAD exomes below 0.00001; ExAC 0.00001.

Submission:

Ambry Genetics
Classification: Uncertain significance for Cardiovascular phenotype. Last evaluated: 2023-08-29. Review status: criteria provided, single submitter. Criteria: Ambry Variant Classification Scheme 2023. Collection method: clinical testing. Allele origin: germline.
Comment: The p.M1124V variant (also known as c.3370A>G), located in coding exon 29 of the ANK2 gene, results from an A to G substitution at nucleotide position 3370. The methionine at codon 1124 is replaced by valine, an amino acid with highly similar properties. This amino acid position is well conserved in available vertebrate species. In addition, this alteration is predicted to be tolerated by in silico analysis. According to data from gnomAD, the frequency for this variant is above the maximum credible frequency for a cardiac disease-causing variant in this gene based on internally established thresholds (Karczewski et al. Nature. 2020 May;581(7809):434-443; Whiffin et al. Genet Med. 2017 10;19:1151-1158). Based on the supporting evidence, the association of this alteration with ANK2-related neurodevelopmental disorder is unknown; however, the association with ANK2-related arrhythmia is unlikely.